The following is an entry in ClinVar:

ClinVar aggregate classification (germline): Uncertain significance (1 of 4 stars; one submission).

Submission:

Labcorp Genetics (formerly Invitae), Labcorp
Classification: Uncertain significance. Last evaluated: 2025-05-09. Review status: criteria provided, single submitter. Criteria: Invitae Variant Classification Sherloc (09022015). Collection method: clinical testing. Allele origin: germline.
Comment: This sequence change replaces tyrosine, which is neutral and polar, with cysteine, which is neutral and slightly polar, at codon 232 of the CHRNA7 protein (p.Tyr232Cys). This variant is present in population databases (no rsID available, gnomAD 0.003%). This variant has not been reported in the literature in individuals affected with CHRNA7-related conditions. An algorithm developed to predict the effect of missense changes on protein structure and function (PolyPhen-2) suggests that this variant is likely to be disruptive. In summary, the available evidence is currently insufficient to determine the role of this variant in disease. Therefore, it has been classified as a Variant of Uncertain Significance.

NM_000746.6(CHRNA7):c.695A>G (p.Tyr232Cys)

Gene: CHRNA7 (cholinergic receptor nicotinic alpha 7 subunit). Cytogenetic location: 15q13.3.
Variant type: single nucleotide variant.
Coding change: c.695A>G on transcript NM_000746.6 (MANE Select); coding-DNA position 695, A replaced by G.
Protein change: p.Tyr232Cys; replaces tyrosine 232 with cysteine.
Molecular consequence: missense variant. On other transcripts: non-coding transcript variant (1).
Genome position (GRCh38, 1-based): chr15:32,158,508, A>G. VCF-style: chr15-32158508-A-G. GRCh37 (hg19) VCF-style: chr15-32450709-A-G.
Other names: c.782A>G, p.Tyr261Cys (NM_001190455.3); short protein forms Y232C, Y261C.
Identifiers: ClinVar variation 4809958 (VCV004809958.1).